The following is an entry in ClinVar:

NM_016169.4(SUFU):c.960C>A (p.Ser320Arg)

Gene: SUFU (SUFU negative regulator of hedgehog signaling; plus strand). Cytogenetic location: 10q24.32.
Variant type: single nucleotide variant.
Coding change: c.960C>A on transcript NM_016169.4 (MANE Select); coding-DNA position 960, C replaced by A.
Protein change: p.Ser320Arg; replaces serine 320 with arginine.
Molecular consequence: missense variant.
Genome position (GRCh38, 1-based): chr10:102,599,482, C>A. VCF-style: chr10-102599482-C-A. GRCh37 (hg19) VCF-style: chr10-104359239-C-A.
Other names: c.960C>A, p.Ser320Arg (NM_001178133.2); short protein forms S320R.
Identifiers: ClinVar variation 1351652 (VCV001351652.6), dbSNP rs754716152, ClinGen allele CA377911089.

ClinVar aggregate classification (germline): Uncertain significance (1 of 4 stars; one submission).

Conditions:
Gorlin syndrome. Also called: Basal cell nevus syndrome; Nevoid Basal Cell Carcinoma Syndrome. Identifiers: Orphanet 377, MedGen C0004779, MONDO:0007187.
Medulloblastoma (MDB). Also called: MEDULLOBLASTOMA PREDISPOSITION SYNDROME; Medulloblastoma, somatic. Identifiers: Orphanet 616, MedGen C0025149, MeSH D008527, MONDO:0007959, OMIM 155255, HP:0002885.

Submission:

Labcorp Genetics (formerly Invitae), Labcorp
Classification: Uncertain significance for Gorlin syndrome; Medulloblastoma. Last evaluated: 2021-11-14. Review status: criteria provided, single submitter. Criteria: Invitae Variant Classification Sherloc (09022015). Collection method: clinical testing. Allele origin: germline.
Comment: In summary, the available evidence is currently insufficient to determine the role of this variant in disease. Therefore, it has been classified as a Variant of Uncertain Significance. Algorithms developed to predict the effect of missense changes on protein structure and function (SIFT, PolyPhen-2, Align-GVGD) all suggest that this variant is likely to be tolerated. This variant has not been reported in the literature in individuals affected with SUFU-related conditions. This variant is not present in population databases (gnomAD no frequency). This sequence change replaces serine, which is neutral and polar, with arginine, which is basic and polar, at codon 320 of the SUFU protein (p.Ser320Arg).